The following is an entry in ClinVar:

NM_020894.4(UVSSA):c.418C>G (p.His140Asp)

Gene: UVSSA (UV stimulated scaffold protein A; plus strand). Cytogenetic location: 4p16.3.
Variant type: single nucleotide variant.
Coding change: c.418C>G on transcript NM_020894.4 (MANE Select); coding-DNA position 418, C replaced by G.
Protein change: p.His140Asp; replaces histidine 140 with aspartic acid.
Molecular consequence: missense variant.
Genome position (GRCh38, 1-based): chr4:1,349,843, C>G. VCF-style: chr4-1349843-C-G. GRCh37 (hg19) VCF-style: chr4-1343631-C-G.
Other names: c.418C>G, p.His140Asp (NM_001317934.2, NM_001317935.2); short protein forms H140D.
Identifiers: ClinVar variation 1310963 (VCV001310963.3), dbSNP rs2109061398, ClinGen allele CA355970403.

ClinVar aggregate classification (germline): Uncertain significance (1 of 4 stars; one submission).

Submission:

GeneDx
Classification: Uncertain significance. Last evaluated: 2026-10-18. Review status: criteria provided, single submitter. Criteria: GeneDx Variant Classification Process June 2021. Collection method: clinical testing. Allele origin: germline.
Comment: Not observed at significant frequency in large population cohorts (gnomAD); In silico analysis supports that this missense variant has a deleterious effect on protein structure/function; Has not been previously published as pathogenic or benign to our knowledge